The following is an entry in ClinVar:

NM_152296.5(ATP1A3):c.251G>A (p.Arg84Gln)

Gene: ATP1A3 (ATPase Na+/K+ transporting subunit alpha 3; minus strand). Cytogenetic location: 19q13.2.
Variant type: single nucleotide variant.
Coding change: c.251G>A on transcript NM_152296.5 (MANE Select); coding-DNA position 251, G replaced by A.
Protein change: p.Arg84Gln; replaces arginine 84 with glutamine.
Molecular consequence: missense variant.
Genome position (GRCh38, 1-based): chr19:41,988,042, C>T on the plus strand (G>A on the coding strand, the complement: ATP1A3 is on the minus strand). VCF-style: chr19-41988042-C-T. GRCh37 (hg19) VCF-style: chr19-42492194-C-T.
Other names: c.284G>A, p.Arg95Gln (NM_001256213.2); c.290G>A, p.Arg97Gln (NM_001256214.2); short protein forms R84Q, R95Q, R97Q.
Identifiers: ClinVar variation 964172 (VCV000964172.9), dbSNP rs782194114, ClinGen allele CA9467913.

ClinVar aggregate classification (germline): Uncertain significance. Review status: criteria provided, multiple submitters, no conflicts (2 of 4 stars). 2 submissions from 2 submitters: Uncertain significance (2). Last evaluated 2025-05-20.

Conditions:
Dystonia 12 (DYT12). Also called: Rapid-Onset Dystonia-Parkinsonism (RDP); DYT-ATP1A3. Identifiers: Orphanet 71517, MedGen C1868681, MONDO:0007496, OMIM 128235.

Allele frequency attached by ClinVar (database versions not stated): gnomAD exomes 0.00001 and 0.00002; TOPMed 0.00001; ExAC 0.00002.
gnomAD v4.1: 8 of 1,614,116 alleles (0.0005%); highest among the groups gnomAD compares: Admixed American, 0.0067%; no homozygotes.

Submissions (2):

Women's Health and Genetics/Laboratory Corporation of America, LabCorp
Classification: Uncertain significance. Last evaluated: 2025-05-20. Review status: criteria provided, single submitter. Criteria: LabCorp Variant Classification Summary - May 2015. Collection method: clinical testing. Allele origin: germline.
Comment: Variant summary: ATP1A3 c.251G>A (p.Arg84Gln) results in a conservative amino acid change in the encoded protein sequence. Algorithms developed to predict the effect of missense changes on protein structure and function are either unavailable or do not agree on the potential impact of this missense change. The variant allele was found at a frequency of 2e-05 in 251464 control chromosomes. The available data on variant occurrences in the general population are insufficient to allow any conclusion about variant significance. To our knowledge, no occurrence of c.251G>A in individuals affected with ATP1A3-Related Disorders and no experimental evidence demonstrating its impact on protein function have been reported. ClinVar contains an entry for this variant (Variation ID: 964172). Based on the evidence outlined above, the variant was classified as uncertain significance.

Labcorp Genetics (formerly Invitae), Labcorp
Classification: Uncertain significance for Dystonia 12. Last evaluated: 2025-04-11. Review status: criteria provided, single submitter. Criteria: Invitae Variant Classification Sherloc (09022015). Collection method: clinical testing. Allele origin: germline.
Comment: This sequence change replaces arginine, which is basic and polar, with glutamine, which is neutral and polar, at codon 84 of the ATP1A3 protein (p.Arg84Gln). This variant is present in population databases (rs782194114, gnomAD 0.01%). This variant has not been reported in the literature in individuals affected with ATP1A3-related conditions. ClinVar contains an entry for this variant (Variation ID: 964172). Invitae Evidence Modeling of protein sequence and biophysical properties (such as structural, functional, and spatial information, amino acid conservation, physicochemical variation, residue mobility, and thermodynamic stability) has been performed for this missense variant. However, the output from this modeling did not meet the statistical confidence thresholds required to predict the impact of this variant on ATP1A3 protein function. In summary, the available evidence is currently insufficient to determine the role of this variant in disease. Therefore, it has been classified as a Variant of Uncertain Significance.